The following is an entry in ClinVar:

ClinVar aggregate classification (germline): Pathogenic (1 of 4 stars; one submission).

Conditions:
Asphyxiating thoracic dystrophy 3. Also called: SHORT-RIB THORACIC DYSPLASIA 3 WITH OR WITHOUT POLYDACTYLY; POLYDACTYLY WITH NEONATAL CHONDRODYSTROPHY, TYPE I; SHORT-RIB THORACIC DYSPLASIA 3/6 WITH POLYDACTYLY, DIGENIC; Short rib polydactyly syndrome 2B; Saldino-Noonan Syndrome. Identifiers: Orphanet 474, Orphanet 93269, Orphanet 93270, Orphanet 93271, MedGen C0036069, MONDO:0013127, OMIM 613091.

Submission:

Myriad Genetics, Inc.
Classification: Pathogenic for Asphyxiating thoracic dystrophy 3. Last evaluated: 2026-01-23. Review status: criteria provided, single submitter. Criteria: Myriad Autosomal Dominant, Autosomal Recessive and X-Linked Classification Criteria (2023). Collection method: clinical testing. Allele origin: unknown.
Comment: NM_001377.2(DYNC2H1):c.6437delG(G2146Efs*12) is expected to be pathogenic in the context of DYNC2H1-related disorders. This variant is predicted to lead to an abnormal or absent protein product due to the creation of a premature termination codon in DYNC2H1, a gene where loss-of-function variants are known to be pathogenic. Please note: this variant was assessed in the context of healthy population screening.

NM_001377.3(DYNC2H1):c.6437del (p.Gly2146fs)

Gene: DYNC2H1 (dynein cytoplasmic 2 heavy chain 1; plus strand). Cytogenetic location: 11q22.3.
Variant type: Deletion.
Coding change: c.6437del on transcript NM_001377.3 (MANE Select); coding-DNA position 6437, one base deleted (G; older notation c.6437delG).
Protein change: p.Gly2146fs; shifts the reading frame from glycine 2146.
Molecular consequence: frameshift variant.
Genome position (GRCh38, 1-based): chr11:103,181,846, G deleted; the last of 2 consecutive G bases (chr11:103,181,845-103,181,846); deleting either gives the same sequence. VCF-style (leftmost placement, unchanged base first): chr11-103181844-TG-T. GRCh37 (hg19) VCF-style: chr11-103052573-TG-T.
Other names: c.6437del, p.Gly2146fs (NM_001080463.2); short protein forms G2146fs.
Identifiers: ClinVar variation 5015472 (VCV005015472.1).